The following is an entry in ClinVar:

ClinVar aggregate classification (germline): Uncertain significance. Review status: criteria provided, multiple submitters, no conflicts (2 of 4 stars). 2 submissions from 2 submitters: Uncertain significance (2). Last evaluated 2024-07-02.

Allele frequency attached by ClinVar (database versions not stated): ExAC 0.00001; gnomAD exomes 0.00001 and 0.00002; gnomAD 0.00003; TOPMed 0.00005; ESP Exome Variant Server 0.00008.
gnomAD v4.1: 17 of 1,611,060 alleles (0.0011%); highest among the groups gnomAD compares: African/African-American, 0.0027%; no homozygotes.

Submissions (2):

Labcorp Genetics (formerly Invitae), Labcorp
Classification: Uncertain significance. Last evaluated: 2024-07-02. Review status: criteria provided, single submitter. Criteria: Invitae Variant Classification Sherloc (09022015). Collection method: clinical testing. Allele origin: germline.
Comment: This sequence change affects a donor splice site in intron 4 of the EFL1 gene. It is expected to disrupt RNA splicing. Variants that disrupt the donor or acceptor splice site typically lead to a loss of protein function (PMID: 16199547), however the current clinical and genetic evidence is not sufficient to establish whether loss-of-function variants in EFL1 cause disease. This variant is present in population databases (rs372509575, gnomAD 0.003%). This variant has not been reported in the literature in individuals affected with EFL1-related conditions. ClinVar contains an entry for this variant (Variation ID: 1304684). Algorithms developed to predict the effect of sequence changes on RNA splicing suggest that this variant may disrupt the consensus splice site. In summary, the available evidence is currently insufficient to determine the role of this variant in disease. Therefore, it has been classified as a Variant of Uncertain Significance.

GeneDx
Classification: Uncertain significance. Last evaluated: 2019-11-12. Review status: criteria provided, single submitter. Criteria: GeneDx Variant Classification Process June 2021. Collection method: clinical testing. Allele origin: germline. Affected: yes.
Comment: Canonical splice site variant in a gene for which loss-of-function is not a known mechanism of disease; Has not been previously published as pathogenic or benign to our knowledge

Literature cited by the submitters: PubMed 16199547 (cited by Labcorp Genetics (formerly Invitae), Labcorp).

NM_024580.6(EFL1):c.244+2T>G

Gene: EFL1 (elongation factor like GTPase 1; minus strand). Cytogenetic location: 15q25.2.
Variant type: single nucleotide variant.
Coding change: c.244+2T>G on transcript NM_024580.6 (MANE Select); the canonical splice donor site of the intron after coding-DNA position 244, T replaced by G.
Molecular consequence: splice donor variant. On other transcripts: intron variant (2).
Genome position (GRCh38, 1-based): chr15:82,252,689, A>C on the plus strand (T>G on the coding strand, the complement: EFL1 is on the minus strand). VCF-style: chr15-82252689-A-C. GRCh37 (hg19) VCF-style: chr15-82545030-A-C.
Other names: c.91+8999T>G (NM_001040610.3); c.-546+6399T>G (NM_001322844.2); c.244+2T>G (NM_001322845.2).
Identifiers: ClinVar variation 1304684 (VCV001304684.3), dbSNP rs372509575, ClinGen allele CA7698343.